The following is an entry in ClinVar:

ClinVar aggregate classification (germline): Conflicting classifications of pathogenicity. Review status: criteria provided, conflicting classifications (1 of 4 stars). 7 submissions from 7 submitters: Uncertain significance (2); Likely benign (3). 2 of the submissions do not count toward it. Last evaluated 2026-01-26.

Conditions:
Left ventricular noncompaction 1 (LVNC1). Also called: LEFT VENTRICULAR NONCOMPACTION 1 WITH OR WITHOUT CONGENITAL HEART DEFECTS. Identifiers: Orphanet 54260, MedGen C1858725, MONDO:0011403, OMIM 604169.

Allele frequency attached by ClinVar (database versions not stated): gnomAD exomes 0.00015 and 0.00021; ExAC 0.00016; TOPMed 0.00023; gnomAD 0.00034; ESP Exome Variant Server 0.00046.
gnomAD v4.1: 357 of 1,613,848 alleles (0.022%); highest among the groups gnomAD compares: Non-Finnish European, 0.028%; no homozygotes.

Submissions (7):

Labcorp Genetics (formerly Invitae), Labcorp
Classification: Uncertain significance for Left ventricular noncompaction 1. Last evaluated: 2026-01-26. Review status: criteria provided, single submitter. Criteria: Invitae Variant Classification Sherloc (09022015). Collection method: clinical testing. Allele origin: germline.
Comment: This sequence change replaces arginine, which is basic and polar, with glutamine, which is neutral and polar, at codon 653 of the DTNA protein (p.Arg653Gln). This variant is present in population databases (rs138143719, gnomAD 0.04%), and has an allele count higher than expected for a pathogenic variant. This variant has not been reported in the literature in individuals affected with DTNA-related conditions. ClinVar contains an entry for this variant (Variation ID: 191656). An algorithm developed to predict the effect of missense changes on protein structure and function (PolyPhen-2) suggests that this variant is likely to be tolerated. Algorithms developed to predict the effect of sequence changes on RNA splicing suggest that this variant may create or strengthen a splice site. In summary, the available evidence is currently insufficient to determine the role of this variant in disease. Therefore, it has been classified as a Variant of Uncertain Significance.

Blueprint Genetics
Classification: Likely benign. Last evaluated: 2024-11-05. Review status: criteria provided, single submitter. Criteria: ACMG Guidelines, 2015. Collection method: clinical testing. Allele origin: germline.

Women's Health and Genetics/Laboratory Corporation of America, LabCorp
Classification: Likely benign. Last evaluated: 2022-10-31. Review status: criteria provided, single submitter. Criteria: LabCorp Variant Classification Summary - May 2015. Collection method: clinical testing. Allele origin: germline.
Comment: Variant summary: DTNA c.1958G>A (p.Arg653Gln) results in a conservative amino acid change in the encoded protein sequence. Five of five in-silico tools predict a benign effect of the variant on protein function. The variant allele was found at a frequency of 0.00015 in 251422 control chromosomes. The observed variant frequency is approximately 48 fold of the estimated maximal expected allele frequency for a pathogenic variant in DTNA causing Left Ventricular Noncompaction phenotype (3.1e-06), strongly suggesting that the variant is benign. To our knowledge, no occurrence of c.1958G>A in individuals affected with Left Ventricular Noncompaction and no experimental evidence demonstrating its impact on protein function have been reported. Two clinical diagnostic laboratories have submitted clinical-significance assessments for this variant to ClinVar after 2014 without evidence for independent evaluation. One laboratory classified the variant as likely benign and one laboratory classified the variant as uncertain significance. Based on the evidence outlined above, the variant was classified as likely benign.

Genome Diagnostics Laboratory, University Medical Center Utrecht
Classification: Likely benign for Left ventricular noncompaction 1. Last evaluated: 2016-09-07. Review status: criteria provided, single submitter. Criteria: ACGS Guidelines, 2013. Collection method: clinical testing. Allele origin: germline. Affected: yes. Study: VKGL Data-share Consensus.

Biesecker Lab/Clinical Genomics Section, National Institutes of Health
Classification: Uncertain significance. Last evaluated: 2013-06-24. Review status: criteria provided, single submitter. Criteria: Ng et al. (Circ Cardiovasc Genet. 2013). Collection method: research. Allele origin: unknown. Observed: 3 variant alleles. Study: ClinSeq.
Comment: The study set was not selected for affection status in relation to any cancer. Pathogenicity categories were based on literature curation. See Pubmed ID:23861362 for details.

Medical sequencing

Clinical Genetics DNA and cytogenetics Diagnostics Lab, Erasmus MC, Erasmus Medical Center
Classification: Likely benign. Review status: no assertion criteria provided. Collection method: clinical testing. Allele origin: germline. Affected: yes. Study: VKGL Data-share Consensus. Not counted in ClinVar's aggregate classification.

Diagnostic Laboratory, Department of Genetics, University Medical Center Groningen
Classification: Likely benign for Left ventricular noncompaction 1. Review status: no assertion criteria provided. Collection method: clinical testing. Allele origin: germline. Affected: yes. Study: VKGL Data-share Consensus. Not counted in ClinVar's aggregate classification.

Literature cited by the submitters: PubMed 35148685 (cited by Women's Health and Genetics/Laboratory Corporation of America, LabCorp).

NM_001386795.1(DTNA):c.2039G>A (p.Arg680Gln)

Gene: DTNA (dystrobrevin alpha; plus strand). Cytogenetic location: 18q12.1.
Variant type: single nucleotide variant.
Coding change: c.2039G>A on transcript NM_001386795.1 (MANE Select); coding-DNA position 2039, G replaced by A.
Protein change: p.Arg680Gln; replaces arginine 680 with glutamine.
Molecular consequence: missense variant.
Genome position (GRCh38, 1-based): chr18:34,879,596, G>A. VCF-style: chr18-34879596-G-A. GRCh37 (hg19) VCF-style: chr18-32459560-G-A.
Other names: c.1778G>A, p.Arg593Gln (NM_001198938.2, NM_001198940.2, NM_001386753.1 and 5 more transcripts); c.1799G>A, p.Arg600Gln (NM_001198939.2); c.1085G>A, p.Arg362Gln (NM_001198942.1); c.1028G>A, p.Arg343Gln (NM_001198943.1); c.914G>A, p.Arg305Gln (NM_001198944.1); c.1868G>A, p.Arg623Gln (NM_001386754.1, NM_001386755.1, NM_001386756.1 and 3 more transcripts); c.1865G>A, p.Arg622Gln (NM_001386760.1); c.1787G>A, p.Arg596Gln (NM_001386761.1, NM_032975.4); and 5 more; short protein forms R596Q, R653Q, R600Q, R362Q, R593Q, R301Q, R305Q, R343Q.
Identifiers: ClinVar variation 191656 (VCV000191656.11), dbSNP rs138143719, ClinGen allele CA237175.
Genomic context (GRCh38, chr18:34,879,596, plus strand): 5'-AATTGTATCTGCTAGAGGTTGGGAGTGAAACAGAGAGTAATGTGGATTCTGAATTTGCAC[G>A]GACTCAGTTTGAGGATCTTGTTCCCTCACCAACCTCTGAAAAGGCTTTTCTAGCGCAAAT-3'
Protein context (NP_001373724.1, residues 670-690): TESNVDSEFA[Arg680Gln]TQFEDLVPSP